The following is an entry in ClinVar:

NM_022124.6(CDH23):c.7466G>A (p.Arg2489His)

Gene: CDH23 (cadherin related 23; plus strand). Cytogenetic location: 10q22.1.
Variant type: single nucleotide variant.
Coding change: c.7466G>A on transcript NM_022124.6 (MANE Select); coding-DNA position 7466, G replaced by A.
Protein change: p.Arg2489His; replaces arginine 2489 with histidine.
Molecular consequence: missense variant.
Genome position (GRCh38, 1-based): chr10:71,800,739, G>A. VCF-style: chr10-71800739-G-A. GRCh37 (hg19) VCF-style: chr10-73560496-G-A.
Other names: c.746G>A, p.Arg249His (NM_001171933.1, NM_001171934.1); short protein forms R2489H, R249H.
Identifiers: ClinVar variation 504515 (VCV000504515.16), dbSNP rs141986620, ClinGen allele CA5546354.

ClinVar aggregate classification (germline): Uncertain significance. Review status: criteria provided, multiple submitters, no conflicts (2 of 4 stars). 9 submissions from 9 submitters: Uncertain significance (8). 1 of the submissions does not count toward it. Last evaluated 2026-05-07.

Conditions:
Usher syndrome type 1 (USH1). Also called: RETINITIS PIGMENTOSA AND CONGENITAL DEAFNESS. Identifiers: Orphanet 231169, Orphanet 886, MedGen C1568247, MONDO:0010168, OMIM 276900.
Usher syndrome type 1D (USH1D). Also called: USHER SYNDROME, TYPE ID. Identifiers: Orphanet 231169, Orphanet 886, MedGen C1832845, MONDO:0010984, OMIM 601067.
CDH23-related disorder. Also called: CDH23-related condition; CDH23-related disorders.
Pituitary adenoma 5, multiple types. Identifiers: MedGen C4539685, MONDO:0054601, OMIM 617540.
Autosomal recessive nonsyndromic hearing loss 12. Also called: DEAFNESS, AUTOSOMAL RECESSIVE 12. Identifiers: Orphanet 90636, MedGen C1832394, MONDO:0011067, OMIM 601386.

Allele frequency attached by ClinVar (database versions not stated): ExAC 0.00001; gnomAD exomes 0.00002 and 0.00004; gnomAD 0.00003; TOPMed 0.00003; 1000 Genomes Project 30x 0.00016; 1000 Genomes Project 0.00020.
gnomAD v4.1: 65 of 1,613,878 alleles (0.004%); highest among the groups gnomAD compares: East Asian, 0.0067%; no homozygotes.

Submissions (9):

PreventionGenetics, part of Exact Sciences
Classification: Uncertain significance for CDH23-related condition. Last evaluated: 2026-05-07. Review status: criteria provided, single submitter. Criteria: ACMG Guidelines, 2015. Collection method: clinical testing. Allele origin: germline.
Comment: The CDH23 c.7466G>A variant is predicted to result in the amino acid substitution p.Arg2489His. This variant has been reported in multiple individuals with Usher syndrome or non-syndromic hearing loss along with pathogenic CDH23 variant (Zhao et al. 2014. PubMed ID: 25472526), in compound heterozygous state (Chen et al. 2021. PubMed ID: 34752165) and in homozygous state (Table S2, Usami et al. 2022. PubMed ID: 35020051). Moreover, this variant has also been reported in the heterozygous state in multiple individuals from hearing loss or retinal dystrophy cohort studies (Wagatsuma et al. 2007. PubMed ID: 17850630; Mizutari et al. 2015. PubMed ID: 25963016; Table S3, Mihalich et al. 2024. PubMed ID: 38927702). This variant is reported in 0.0058% of alleles in individuals of Latino descent in gnomAD. An alternate missense substitution affecting the same amino acid position (p.Arg2489Cys) has also been reported in multiple individuals with hearing loss (Table S2, Usami et al. 2022. PubMed ID: 35020051). The p.Arg2489 variant is assessed as uncertain in ClinVar (Variation ID: 504515). Although we suspect that the c.7466G>A (p.Arg2489His) variant may be pathogenic, at this time, the clinical significance of this variant is uncertain due to the absence of conclusive functional and genetic evidence.

3billion
Classification: Uncertain significance for Usher syndrome type 1D. Last evaluated: 2025-03-26. Review status: criteria provided, single submitter. Criteria: ACMG Guidelines, 2015. Collection method: clinical testing. Allele origin: germline. Affected: yes.

Baylor Genetics
Classification: Uncertain significance for Pituitary adenoma 5, multiple types. Last evaluated: 2023-06-20. Review status: criteria provided, single submitter. Criteria: ACMG Guidelines, 2015. Collection method: clinical testing. Allele origin: unknown.

Blueprint Genetics
Classification: Uncertain significance. Last evaluated: 2023-01-27. Review status: criteria provided, single submitter. Criteria: ACMG Guidelines, 2015. Collection method: clinical testing. Allele origin: germline.

Fulgent Genetics
Classification: Uncertain significance for Usher syndrome type 1D; Autosomal recessive nonsyndromic hearing loss 12; Pituitary adenoma 5, multiple types. Last evaluated: 2022-03-01. Review status: criteria provided, single submitter. Criteria: ACMG Guidelines, 2015. Collection method: clinical testing. Allele origin: unknown.

Labcorp Genetics (formerly Invitae), Labcorp
Classification: Uncertain significance. Last evaluated: 2021-09-30. Review status: criteria provided, single submitter. Criteria: Invitae Variant Classification Sherloc (09022015). Collection method: clinical testing. Allele origin: germline.
Comment: This sequence change replaces arginine with histidine at codon 2489 of the CDH23 protein (p.Arg2489His). The arginine residue is highly conserved and there is a small physicochemical difference between arginine and histidine. This variant is present in population databases (rs141986620, ExAC 0.002%). This variant has been observed in individual(s) with CDH23-related conditions (PMID: 17850630, 25472526, 25963016). ClinVar contains an entry for this variant (Variation ID: 504515). Algorithms developed to predict the effect of missense changes on protein structure and function are either unavailable or do not agree on the potential impact of this missense change (SIFT: "Deleterious"; PolyPhen-2: "Not Available"; Align-GVGD: "Class C25"). In summary, the available evidence is currently insufficient to determine the role of this variant in disease. Therefore, it has been classified as a Variant of Uncertain Significance.

GeneDx
Classification: Uncertain significance. Last evaluated: 2019-10-14. Review status: criteria provided, single submitter. Criteria: GeneDx Variant Classification Process June 2021. Collection method: clinical testing. Allele origin: germline. Affected: yes.
Comment: Not observed at a significant frequency in large population cohorts (Lek et al., 2016); In silico analysis, which includes protein predictors and evolutionary conservation, supports a deleterious effect; Identified in unrelated individuals with hearing loss and/or clinical diagnosis of Usher syndrome in the heterozygous state as well as in the presence of a second CDH23 variant in published literature (Wagatsuma et al., 2007; Mizutari et al., 2015; Zhao et al., 2015); This variant is associated with the following publications: (PMID: 25472526, 17850630, 25963016)

Laboratory for Molecular Medicine, Mass General Brigham Personalized Medicine
Classification: Uncertain significance. Last evaluated: 2017-03-28. Review status: criteria provided, single submitter. Criteria: LMM Criteria. Collection method: clinical testing. Allele origin: germline. Observed: 1 variant allele.
Comment: The p.Arg2489His variant in CDH23 has been reported in 1 individual with atypica l Usher syndrome who also had a second pathogenic variant in CDH23 and a possibl e viral etiology (Zhao 2015). It has also been reported in the heterozygous stat e in 2 individuals with hearing loss (Wagatsuma 2007, Mizutari 2015). The p.Arg2 489His variant has been identified in 4/111634 European chromosomes by the Genom e Aggregation Database (gnomAD; dbSNP rs141986 620). Although this variant has been seen in the general population, its frequen cy is not high enough to rule out a pathogenic role. Computational prediction to ols and conservation analysis suggest that the p.Arg2489His variant may impact t he protein, though this information is not predictive enough to determine pathog enicity. In summary, the clinical significance of the p.Arg2489His variant is un certain.

Natera, Inc.
Classification: Uncertain significance for Usher syndrome type 1. Last evaluated: 2020-03-25. Review status: no assertion criteria provided. Collection method: clinical testing. Allele origin: germline. Not counted in ClinVar's aggregate classification.

Literature cited by the submitters: PubMed 17850630 (cited by Labcorp Genetics (formerly Invitae), Labcorp and Laboratory for Molecular Medicine, Mass General Brigham Personalized Medicine); PubMed 25472526 (cited by Labcorp Genetics (formerly Invitae), Labcorp and Laboratory for Molecular Medicine, Mass General Brigham Personalized Medicine); PubMed 25963016 (cited by Labcorp Genetics (formerly Invitae), Labcorp and Laboratory for Molecular Medicine, Mass General Brigham Personalized Medicine).